The following is an entry in ClinVar:

ClinVar aggregate classification (germline): Uncertain significance. Review status: criteria provided, multiple submitters, no conflicts (2 of 4 stars). 3 submissions from 3 submitters: Uncertain significance (3). Last evaluated 2024-10-20.

Conditions:
Congenital disorder of deglycosylation (CDDG). Identifiers: MedGen C3808991, MONDO:0031376.
Inborn genetic diseases. Identifiers: MedGen C0950123, MeSH D030342.

Allele frequency attached by ClinVar (database versions not stated): gnomAD exomes below 0.00001; ExAC 0.00001; gnomAD 0.00001 and 0.00002; TOPMed 0.00001; 1000 Genomes Project 30x 0.00016; 1000 Genomes Project 0.00020.
gnomAD v4.1: 8 of 1,614,046 alleles (0.0005%); highest among the groups gnomAD compares: Admixed American, 0.0017%; no homozygotes.

Submissions (3):

Ambry Genetics
Classification: Uncertain significance for Inborn genetic diseases. Last evaluated: 2024-10-20. Review status: criteria provided, single submitter. Criteria: Ambry Variant Classification Scheme 2023. Collection method: clinical testing. Allele origin: germline.

GeneDx
Classification: Uncertain significance. Last evaluated: 2023-08-02. Review status: criteria provided, single submitter. Criteria: GeneDx Variant Classification Process June 2021. Collection method: clinical testing. Allele origin: germline. Affected: yes.
Comment: Has not been previously published as pathogenic or benign to our knowledge; Not observed at significant frequency in large population cohorts (gnomAD); In silico analysis supports that this missense variant does not alter protein structure/function

Labcorp Genetics (formerly Invitae), Labcorp
Classification: Uncertain significance for Congenital disorder of deglycosylation. Last evaluated: 2021-08-30. Review status: criteria provided, single submitter. Criteria: Invitae Variant Classification Sherloc (09022015). Collection method: clinical testing. Allele origin: germline.
Comment: This sequence change replaces glycine with alanine at codon 115 of the NGLY1 protein (p.Gly115Ala). The glycine residue is moderately conserved and there is a small physicochemical difference between glycine and alanine. This variant is present in population databases (rs571852877, ExAC 0.009%). This variant has not been reported in the literature in individuals affected with NGLY1-related conditions. Algorithms developed to predict the effect of missense changes on protein structure and function (SIFT, PolyPhen-2, Align-GVGD) all suggest that this variant is likely to be tolerated. In summary, the available evidence is currently insufficient to determine the role of this variant in disease. Therefore, it has been classified as a Variant of Uncertain Significance.

NM_018297.4(NGLY1):c.344G>C (p.Gly115Ala)

Gene: NGLY1 (N-glycanase 1; minus strand). Cytogenetic location: 3p24.2.
Variant type: single nucleotide variant.
Coding change: c.344G>C on transcript NM_018297.4 (MANE Select); coding-DNA position 344, G replaced by C.
Protein change: p.Gly115Ala; replaces glycine 115 with alanine.
Molecular consequence: missense variant.
Genome position (GRCh38, 1-based): chr3:25,764,214, C>G on the plus strand (G>C on the coding strand, the complement: NGLY1 is on the minus strand). VCF-style: chr3-25764214-C-G. GRCh37 (hg19) VCF-style: chr3-25805705-C-G.
Other names: c.344G>C, p.Gly115Ala (NM_001145293.2, NM_001145295.2); c.218G>C, p.Gly73Ala (NM_001145294.2); c.344G>C (NM_018297.3); short protein forms G73A, G115A.
Identifiers: ClinVar variation 1351235 (VCV001351235.7), dbSNP rs571852877, ClinGen allele CA2289511.